The following is an entry in ClinVar:

NM_022051.3(EGLN1):c.233C>T (p.Ala78Val)

Gene: EGLN1 (egl-9 family hypoxia inducible factor 1; minus strand). Cytogenetic location: 1q42.2.
Variant type: single nucleotide variant.
Coding change: c.233C>T on transcript NM_022051.3 (MANE Select); coding-DNA position 233, C replaced by T.
Protein change: p.Ala78Val; replaces alanine 78 with valine.
Molecular consequence: missense variant.
Genome position (GRCh38, 1-based): chr1:231,421,656, G>A on the plus strand (C>T on the coding strand, the complement: EGLN1 is on the minus strand). VCF-style: chr1-231421656-G-A. GRCh37 (hg19) VCF-style: chr1-231557402-G-A.
Other names: c.233C>T, p.Ala78Val (NM_001377260.1, NM_001377261.1); short protein forms A78V.
Identifiers: ClinVar variation 3843870 (VCV003843870.1).

ClinVar aggregate classification (germline): Uncertain significance (1 of 4 stars; one submission).

Submission:

Ambry Genetics
Classification: Uncertain significance. Last evaluated: 2025-01-19. Review status: criteria provided, single submitter. Criteria: Ambry Variant Classification Scheme 2023. Collection method: clinical testing. Allele origin: germline.
Comment: The p.A78V variant (also known as c.233C>T), located in coding exon 1 of the EGLN1 gene, results from a C to T substitution at nucleotide position 233. The alanine at codon 78 is replaced by valine, an amino acid with similar properties. This amino acid position is conserved. In addition, this alteration is predicted to be tolerated by in silico analysis. Based on the available evidence, the clinical significance of this variant remains unclear.